The following is an entry in ClinVar:

ClinVar aggregate classification (germline): Uncertain significance. Review status: criteria provided, multiple submitters, no conflicts (2 of 4 stars). 2 submissions from 2 submitters: Uncertain significance (2). Last evaluated 2025-09-05.

Conditions:
Cardiovascular phenotype. Identifiers: MedGen CN230736.
Cardiomyopathy (CMYO). Also called: Cardiomyopathies. Identifiers: Orphanet 167848, MedGen C0878544, MONDO:0004994, HP:0001638. Inheritance: Various modes of inheritance.

Submissions (2):

Color Diagnostics, LLC DBA Color Health
Classification: Uncertain significance for Cardiomyopathy. Last evaluated: 2025-09-05. Review status: criteria provided, single submitter. Criteria: ACMG Guidelines, 2015. Collection method: clinical testing. Allele origin: germline.
Comment: This missense variant replaces arginine with methionine at codon 302 of the TMEM43 protein. Computational prediction suggests that this variant may not impact protein structure and function. To our knowledge, functional studies have not been reported for this variant. This variant has not been reported in individuals affected with TMEM43-related disorders in the literature. This variant has not been identified in the general population by the Genome Aggregation Database (gnomAD). The available evidence is insufficient to determine the role of this variant in disease conclusively. Therefore, this variant is classified as a Variant of Uncertain Significance.

Ambry Genetics
Classification: Uncertain significance for Cardiovascular phenotype. Last evaluated: 2021-12-02. Review status: criteria provided, single submitter. Criteria: Ambry Variant Classification Scheme 2023. Collection method: clinical testing. Allele origin: germline.
Comment: The p.R302M variant (also known as c.905G>T), located in coding exon 11 of the TMEM43 gene, results from a G to T substitution at nucleotide position 905. The arginine at codon 302 is replaced by methionine, an amino acid with similar properties. This amino acid position is conserved. In addition, this alteration is predicted to be tolerated by in silico analysis. Since supporting evidence is limited at this time, the clinical significance of this alteration remains unclear.

NM_024334.3(TMEM43):c.905G>T (p.Arg302Met)

Gene: TMEM43 (transmembrane protein 43; plus strand). Cytogenetic location: 3p25.1.
Variant type: single nucleotide variant.
Coding change: c.905G>T on transcript NM_024334.3 (MANE Select); coding-DNA position 905, G replaced by T.
Protein change: p.Arg302Met; replaces arginine 302 with methionine.
Molecular consequence: missense variant.
Genome position (GRCh38, 1-based): chr3:14,139,202, G>T. VCF-style: chr3-14139202-G-T. GRCh37 (hg19) VCF-style: chr3-14180702-G-T.
Other names: c.908G>T, p.Arg303Met (NM_001407274.1); c.902G>T, p.Arg301Met (NM_001407275.1, NM_001407276.1); c.899G>T, p.Arg300Met (NM_001407277.1); c.890G>T, p.Arg297Met (NM_001407278.1); c.830G>T, p.Arg277Met (NM_001407279.1); c.755G>T, p.Arg252Met (NM_001407280.1); short protein forms R252M, R300M, R297M, R302M, R277M, R301M, R303M.
Identifiers: ClinVar variation 1765626 (VCV001765626.3), dbSNP rs539945827, ClinGen allele CA351536120.
Genomic context (GRCh38, chr3:14,139,202, plus strand): 5'-CCCTCAGCATCCTGACCTGCCCCCACCTTGTCCTGCAGGAGGTGTTTCATAGAGAACTAA[G>T]GAGCAACTCCATGAAGACCTGGGGCCTGCGGGCAGCTGGCTGGATGGCCATGTTCATGGG-3'
Protein context (NP_077310.1, residues 292-312): SAEEVFHREL[Arg302Met]SNSMKTWGLR